The following is an entry in ClinVar:

NM_001351132.2(PEX5):c.552-7G>A

Gene: PEX5 (peroxisomal biogenesis factor 5; plus strand). Cytogenetic location: 12p13.31.
Variant type: single nucleotide variant.
Coding change: c.552-7G>A on transcript NM_001351132.2 (MANE Select); 7 bases into the intron before coding-DNA position 552, G replaced by A.
Molecular consequence: intron variant.
Genome position (GRCh38, 1-based): chr12:7,201,744, G>A. VCF-style: chr12-7201744-G-A. GRCh37 (hg19) VCF-style: chr12-7354340-G-A.
Other names: p.?; c.552-7G>A (NM_001351124.3, NM_001131026.2, NM_001351131.2 and 19 more transcripts); c.597-7G>A (NM_001351135.3, NM_001131023.2, NM_001351138.2).
Identifiers: ClinVar variation 310420 (VCV000310420.23), dbSNP rs189631769, ClinGen allele CA6426194.

ClinVar aggregate classification (germline): Conflicting classifications of pathogenicity. Review status: criteria provided, conflicting classifications (1 of 4 stars). 6 submissions from 6 submitters: Uncertain significance (2); Likely benign (3). 1 of the submissions does not count toward it. Last evaluated 2026-02-03.

Conditions:
PEX5-related disorder. Also called: PEX5-Related Disorders; PEX5-related condition.
Peroxisome biogenesis disorder 2A (Zellweger) (PBD2A). Also called: Cerebrohepatorenal syndrome, variant types. Identifiers: Orphanet 912, MedGen C3550273, MONDO:0008954, OMIM 214110.
Peroxisome biogenesis disorder 2B (PBD2B). Identifiers: Orphanet 44, MedGen C3550234, MONDO:0008736, OMIM 202370.

Allele frequency attached by ClinVar (database versions not stated): ESP Exome Variant Server 0.00038; ExAC 0.00039; 1000 Genomes Project 0.00040; TOPMed 0.00043; gnomAD 0.00044; 1000 Genomes Project 30x 0.00047.
gnomAD v4.1: 455 of 1,607,398 alleles (0.028%); highest among the groups gnomAD compares: Middle Eastern, 0.2%; 1 homozygote.

Submissions (6):

Labcorp Genetics (formerly Invitae), Labcorp
Classification: Likely benign for Peroxisome biogenesis disorder 2B. Last evaluated: 2026-02-03. Review status: criteria provided, single submitter. Criteria: Invitae Variant Classification Sherloc (09022015). Collection method: clinical testing. Allele origin: germline.

Blueprint Genetics
Classification: Likely benign. Last evaluated: 2024-11-11. Review status: criteria provided, single submitter. Criteria: ACMG Guidelines, 2015. Collection method: clinical testing. Allele origin: germline.

Mayo Clinic Laboratories, Mayo Clinic
Classification: Likely benign. Last evaluated: 2024-10-24. Review status: criteria provided, single submitter. Criteria: ACMG Guidelines, 2015. Collection method: clinical testing. Allele origin: germline. Observed: 1 variant allele.
Comment: BS1, BP4, BP7

Illumina Laboratory Services, Illumina
Classification: Uncertain significance for Peroxisome biogenesis disorder 2A (Zellweger). Last evaluated: 2018-01-12. Review status: criteria provided, single submitter. Criteria: ICSL Variant Classification Criteria 13 December 2019. Collection method: clinical testing. Allele origin: germline.

Eurofins Ntd Llc (ga)
Classification: Uncertain significance. Last evaluated: 2017-09-08. Review status: criteria provided, single submitter. Criteria: EGL Classification Definitions 2015. Collection method: clinical testing. Allele origin: germline. Observed: 3 variant alleles, 3 heterozygotes.

PreventionGenetics, part of Exact Sciences
Classification: Likely benign for PEX5-related condition. Last evaluated: 2019-06-15. Review status: no assertion criteria provided. Collection method: clinical testing. Allele origin: germline. Not counted in ClinVar's aggregate classification.
Comment: This variant is classified as likely benign based on ACMG/AMP sequence variant interpretation guidelines (Richards et al. 2015 PMID: 25741868, with internal and published modifications).